The following is an entry in ClinVar:

ClinVar aggregate classification (germline): Uncertain significance. Review status: criteria provided, multiple submitters, no conflicts (2 of 4 stars). 2 submissions from 2 submitters: Uncertain significance (2). Last evaluated 2025-04-30.

Conditions:
Autosomal recessive severe congenital neutropenia due to CSF3R deficiency. Also called: Neutropenia, severe congenital, 7, autosomal recessive. Identifiers: Orphanet 420702, MedGen C4310764, MONDO:0014865, OMIM 617014.

Allele frequency attached by ClinVar (database versions not stated): TOPMed 0.00001; ExAC 0.00002; ESP Exome Variant Server 0.00008.
gnomAD v4.1: 28 of 1,614,238 alleles (0.0017%); highest among the groups gnomAD compares: African/African-American, 0.016%; no homozygotes.

Submissions (2):

Labcorp Genetics (formerly Invitae), Labcorp
Classification: Uncertain significance for Autosomal recessive severe congenital neutropenia due to CSF3R deficiency. Last evaluated: 2025-04-30. Review status: criteria provided, single submitter. Criteria: Invitae Variant Classification Sherloc (09022015). Collection method: clinical testing. Allele origin: germline.
Comment: This sequence change replaces glutamic acid, which is acidic and polar, with aspartic acid, which is acidic and polar, at codon 710 of the CSF3R protein (p.Glu710Asp). This variant is present in population databases (rs370491074, gnomAD 0.01%). This variant has not been reported in the literature in individuals affected with CSF3R-related conditions. ClinVar contains an entry for this variant (Variation ID: 665158). Invitae Evidence Modeling of protein sequence and biophysical properties (such as structural, functional, and spatial information, amino acid conservation, physicochemical variation, residue mobility, and thermodynamic stability) indicates that this missense variant is not expected to disrupt CSF3R protein function with a negative predictive value of 80%. In summary, the available evidence is currently insufficient to determine the role of this variant in disease. Therefore, it has been classified as a Variant of Uncertain Significance.

Genetic Services Laboratory, University of Chicago
Classification: Uncertain significance. Last evaluated: 2019-09-27. Review status: criteria provided, single submitter. Criteria: ACMG Guidelines, 2015. Collection method: clinical testing. Allele origin: germline. Affected: no.

NM_000760.4(CSF3R):c.2130G>C (p.Glu710Asp)

Gene: CSF3R (colony stimulating factor 3 receptor; minus strand). Cytogenetic location: 1p34.3.
Variant type: single nucleotide variant.
Coding change: c.2130G>C on transcript NM_000760.4 (MANE Select); coding-DNA position 2130, G replaced by C.
Protein change: p.Glu710Asp; replaces glutamic acid 710 with aspartic acid.
Molecular consequence: missense variant.
Genome position (GRCh38, 1-based): chr1:36,466,738, C>G on the plus strand (G>C on the coding strand, the complement: CSF3R is on the minus strand). VCF-style: chr1-36466738-C-G. GRCh37 (hg19) VCF-style: chr1-36932339-C-G.
Other names: c.2211G>C, p.Glu737Asp (LRG_144t1, NM_156039.3); c.2130G>C, p.Glu710Asp (NM_172313.3); short protein forms E710D, E737D.
Identifiers: ClinVar variation 665158 (VCV000665158.10), dbSNP rs370491074, ClinGen allele CA768944.
Genomic context (GRCh38, chr1:36,466,738, plus strand): 5'-CTGGAGCACATAGGTCTGGACCAGAGTGGGGAGGCCACAGGTCTCTGAGCTGTTATGGGA[C>G]TCCCAGGGCACCGGCTTCTTTTCATCCTCCTCCAGCACTGTGAGCTTGGTGATGGGTGGC-3'
Protein context (NP_000751.1, residues 700-720): EEDEKKPVPW[Glu710Asp]SHNSSETCGL